The following is an entry in ClinVar:

ClinVar aggregate classification (germline): Uncertain significance. Review status: criteria provided, multiple submitters, no conflicts (2 of 4 stars). 4 submissions from 4 submitters: Uncertain significance (3). 1 of the submissions does not count toward it. Last evaluated 2025-09-21.

Conditions:
Mitochondrial complex II deficiency, nuclear type 1. Also called: SUCCINATE CoQ REDUCTASE DEFICIENCY. Identifiers: Orphanet 3208, MedGen C5700310, MONDO:0100294, OMIM 252011.
Pheochromocytoma/paraganglioma syndrome 5. Also called: Paragangliomas 5; SDHA-Related Hereditary Paraganglioma-Pheochromocytoma Syndrome. Identifiers: Orphanet 29072, MedGen C3279992, MONDO:0013602, OMIM 614165.
Hereditary cancer-predisposing syndrome. Also called: Neoplastic Syndromes, Hereditary; Hereditary Cancer Syndrome; Hereditary neoplastic syndrome; Tumor predisposition. Identifiers: Orphanet 140162, MedGen C0027672, MeSH D009386, MONDO:0015356.

gnomAD v4.1: 4 of 1,614,082 alleles (0.00025%); highest among the groups gnomAD compares: Admixed American, 0.005%; no homozygotes.

Submissions (4):

Labcorp Genetics (formerly Invitae), Labcorp
Classification: Uncertain significance for Pheochromocytoma/paraganglioma syndrome 5; Mitochondrial complex II deficiency, nuclear type 1. Last evaluated: 2025-09-21. Review status: criteria provided, single submitter. Criteria: Invitae Variant Classification Sherloc (09022015). Collection method: clinical testing. Allele origin: germline.
Comment: This sequence change replaces isoleucine, which is neutral and non-polar, with valine, which is neutral and non-polar, at codon 319 of the SDHA protein (p.Ile319Val). This variant is not present in population databases (gnomAD no frequency). This variant has not been reported in the literature in individuals affected with SDHA-related conditions. ClinVar contains an entry for this variant (Variation ID: 472419). Invitae Evidence Modeling of protein sequence and biophysical properties (such as structural, functional, and spatial information, amino acid conservation, physicochemical variation, residue mobility, and thermodynamic stability) indicates that this missense variant is not expected to disrupt SDHA protein function with a negative predictive value of 95%. In summary, the available evidence is currently insufficient to determine the role of this variant in disease. Therefore, it has been classified as a Variant of Uncertain Significance.

Ambry Genetics
Classification: Uncertain significance for Hereditary cancer-predisposing syndrome. Last evaluated: 2023-06-14. Review status: criteria provided, single submitter. Criteria: Ambry Variant Classification Scheme 2023. Collection method: clinical testing. Allele origin: germline.
Comment: The p.I319V variant (also known as c.955A>G), located in coding exon 8 of the SDHA gene, results from an A to G substitution at nucleotide position 955. The isoleucine at codon 319 is replaced by valine, an amino acid with highly similar properties. This amino acid position is highly conserved in available vertebrate species. In addition, this alteration is predicted to be tolerated by in silico analysis. Since supporting evidence is limited at this time, the clinical significance of this alteration remains unclear.

Myriad Genetics, Inc.
Classification: Uncertain significance for Pheochromocytoma/paraganglioma syndrome 5. Last evaluated: 2023-04-20. Review status: criteria provided, single submitter. Criteria: Myriad Autosomal Dominant, Autosomal Recessive and X-Linked Classification Criteria (2023). Collection method: clinical testing. Allele origin: unknown.
Comment: This variant is classified as a variant of uncertain significance as there is insufficient evidence to determine its impact on protein function and/or cancer risk.

Counsyl
Classification: Uncertain significance for Pheochromocytoma/paraganglioma syndrome 5. Last evaluated: 2018-01-08. Review status: no assertion criteria provided. Collection method: clinical testing. Allele origin: unknown. Not counted in ClinVar's aggregate classification.

NM_004168.4(SDHA):c.955A>G (p.Ile319Val)

Gene: SDHA (succinate dehydrogenase complex flavoprotein subunit A; plus strand). Cytogenetic location: 5p15.33.
Variant type: single nucleotide variant.
Coding change: c.955A>G on transcript NM_004168.4 (MANE Select); coding-DNA position 955, A replaced by G.
Protein change: p.Ile319Val; replaces isoleucine 319 with valine.
Molecular consequence: missense variant.
Genome position (GRCh38, 1-based): chr5:233,536, A>G. VCF-style: chr5-233536-A-G. GRCh37 (hg19) VCF-style: chr5-233651-A-G.
Other names: c.811A>G, p.Ile271Val (NM_001294332.2); c.955A>G, p.Ile319Val (NM_001330758.2); short protein forms I319V, I271V.
Identifiers: ClinVar variation 472419 (VCV000472419.16), dbSNP rs377509915, ClinGen allele CA359012672.